The following is an entry in ClinVar:

ClinVar aggregate classification (germline): Conflicting classifications of pathogenicity. Review status: criteria provided, conflicting classifications (1 of 4 stars). 21 submissions from 20 submitters: Uncertain significance (6); Benign (1); Likely benign (8). 6 of the submissions do not count toward it. Last evaluated 2026-06-04.

Conditions:
RAD51C-related disorder. Also called: RAD51C-related condition; RAD51C-related disorders.
Breast and/or ovarian cancer. Identifiers: MedGen CN221562.
Hereditary cancer-predisposing syndrome. Also called: Tumor predisposition; Hereditary neoplastic syndrome; Neoplastic Syndromes, Hereditary; Hereditary Cancer Syndrome. Identifiers: Orphanet 140162, MedGen C0027672, MeSH D009386, MONDO:0015356.
Hereditary breast ovarian cancer syndrome. Also called: Hereditary breast and ovarian cancer syndrome (HBOC); Hereditary breast and ovarian cancer; Hereditary breast and ovarian cancer syndrome; Breast and ovarian cancer; Hereditary breast and/or ovarian cancer syndrome; BRCA1- and BRCA2-Associated Hereditary Breast and Ovarian Cancer. Identifiers: Orphanet 145, MedGen C0677776, MeSH D061325, MONDO:0003582. Disease mechanism: loss of function.
Breast-ovarian cancer, familial, susceptibility to, 3. Also called: RAD51C-Related Breast/Ovarian Cancer. Identifiers: Orphanet 145, MedGen C3150659, MONDO:0013253, OMIM 613399.
Fanconi anemia complementation group O. Also called: RAD51C-Related Fanconi Anemia. Identifiers: Orphanet 84, MedGen C3150653, MONDO:0013248, OMIM 613390.
Malignant tumor of breast. Also called: Malignant breast neoplasm; Cancer breast. Identifiers: MedGen C0006142, MONDO:0007254. Disease mechanism: loss of function.

Allele frequency attached by ClinVar (database versions not stated): TOPMed 0.00008; gnomAD 0.00009; ExAC 0.00016; gnomAD exomes 0.00016 and 0.00020.
gnomAD v4.1: 319 of 1,613,928 alleles (0.02%); highest among the groups gnomAD compares: Non-Finnish European, 0.025%; no homozygotes.

Submissions 1 to 14 of 21:

PreventionGenetics, part of Exact Sciences
Classification: Uncertain significance for RAD51C-related condition. Last evaluated: 2026-06-04. Review status: criteria provided, single submitter. Criteria: ACMG Guidelines, 2015. Collection method: clinical testing. Allele origin: germline.
Comment: The RAD51C c.506T>C variant is predicted to result in the amino acid substitution p.Val169Ala. This variant has been reported in many individuals with different types of cancer such as breast and ovarian cancer (Meindl et al. 2010. PubMed ID: 20400964; Loveday et al. 2012. PubMed ID:22538716), Lynch syndrome (Yurgelun et al. 2015. PubMed ID:25980754), chronic lymphocytic leukemia (Sellick et al. 2008. PubMed ID:18203022), endometrial cancer (Ring et al. 2016. PubMed ID:27443514), and glioma (Lu et al. 2015. PubMed ID:26689913). Experiments using a RAD51C-mutated human fibroblast cell line suggest that the c.506T>C (p.Val169Ala) variant has function similar to a normal RAD51C protein (Meindl et al. 2010. PubMed ID: 20400964). This suggests that this missense variant has very little to no effect on protein function. This variant is reported in 0.033% of alleles in individuals of European (Non-Finnish) descent in gnomAD and has conflicting interpretations regarding its pathogenicity in ClinVar, ranging from uncertain to benign (Variation ID: 128206). Although we suspect that this variant may be benign, at this time, the clinical significance of this variant is uncertain due to the absence of conclusive functional and genetic evidence.

Labcorp Genetics (formerly Invitae), Labcorp
Classification: Uncertain significance for Fanconi anemia complementation group O. Last evaluated: 2026-02-03. Review status: criteria provided, single submitter. Criteria: Invitae Variant Classification Sherloc (09022015). Collection method: clinical testing. Allele origin: germline.
Comment: This sequence change replaces valine, which is neutral and non-polar, with alanine, which is neutral and non-polar, at codon 169 of the RAD51C protein (p.Val169Ala). This variant is present in population databases (rs587780256, gnomAD 0.03%). This missense change has been observed in individual(s) with breast or ovarian cancer (PMID: 18203022, 20400964, 21990120, 22370629, 22476429, 22538716, 25980754, 26689913, 27443514, 34326862). This variant is also known as 4150T>C. ClinVar contains an entry for this variant (Variation ID: 128206). Invitae Evidence Modeling of protein sequence and biophysical properties (such as structural, functional, and spatial information, amino acid conservation, physicochemical variation, residue mobility, and thermodynamic stability) indicates that this missense variant is not expected to disrupt RAD51C protein function with a negative predictive value of 80%. Experimental studies have shown that this missense change does not substantially affect RAD51C function (PMID: 20400964). In summary, the available evidence is currently insufficient to determine the role of this variant in disease. Therefore, it has been classified as a Variant of Uncertain Significance.

Quest Diagnostics Nichols Institute San Juan Capistrano
Classification: Uncertain significance. Last evaluated: 2025-08-08. Review status: criteria provided, single submitter. Criteria: Quest Diagnostics criteria. Collection method: clinical testing. Allele origin: unknown.
Comment: The RAD51C c.506T>C (p.Val169Ala) variant has been reported in the published literature in individuals with endometrial cancer (PMIDs: 26689913 (2015), 27443514 (2016)), Lynch syndrome-associated cancer and/or polyps (PMID: 25980754 (2015)), leukemias (PMIDs: 18203022 (2008), 37450374 (2023)), low grade glioma (PMID: 26689913 (2015)), breast and/or ovarian cancer (PMIDs: 20400964 (2010), 21990120 (2012), 22370629 (2012), 22476429 (2012), 22538716 (2012), 32885271 (2021), 34326862 (2021), 33471991 (2021), see also LOVD) and in reportedly unaffected individuals (PMID: 33471991 (2021), see also LOVD). This variant is not damaging to any protein function relevant to disease mechanisms (PMID: 20400964 (2010), 37253112 (2023)). The frequency of this variant in the general population (Genome Aggregation Database) is uninformative in the assessment of its pathogenicity. Analysis of this variant using bioinformatics tools for the prediction of the effect of amino acid changes on protein structure and function yielded conflicting predictions that this variant is benign or damaging. Based on the available information, we are unable to determine the clinical significance of this variant.

Center for Genomic Medicine, Rigshospitalet, Copenhagen University Hospital
Classification: Likely benign. Last evaluated: 2025-03-04. Review status: criteria provided, single submitter. Criteria: ACMG Guidelines, 2015. Collection method: clinical testing. Allele origin: germline.

German Consortium for Hereditary Breast and Ovarian Cancer, University Hospital Cologne
Classification: Likely benign for Hereditary breast ovarian cancer syndrome. Last evaluated: 2024-11-11. Review status: criteria provided, single submitter. Criteria: ACMG Guidelines, 2015. Collection method: curation. Allele origin: germline.
Comment: According to the ACMG SVI adaptation criteria we chose these criteria: BP4 (supporting benign): Revel = 0,078 (und damit (0.016, 0.183] ), BS1 (supporting benign): gnomAD v4.1.0 Grpmax Filtering AF= 0,0002256 (= 0,02%) 319x in gnomAD v4.1.0, BS3 (strong benign): Meindl (2009, PMID: 20400964): NEUTRAL: "...expression of the [...] V169A [...] missense RAD51C complementary DNAs corrected the mitomycin C hypersensitivity of Rad51c mutant DT40 cells to levels achieved by expression of the wild-type RAD51C cDNA." Hu (2023, PMID: 37253112): NEUTRAL: "... p.Val169Ala (V169A) [...] remained neutral in the HDR assay. The WT and mutant forms of RAD51C expressed equally."

CeGaT Center for Human Genetics Tuebingen
Classification: Likely benign. Last evaluated: 2024-10-01. Review status: criteria provided, single submitter. Criteria: CeGaT Center For Human Genetics Tuebingen Variant Classification Criteria Version 2. Collection method: clinical testing. Allele origin: germline. Affected: yes. Observed: 1 variant allele.
Comment: RAD51C: BP4, BS3:Supporting

Institute for Biomarker Research, Medical Diagnostic Laboratories, L.L.C.
Classification: Uncertain significance for Hereditary breast ovarian cancer syndrome. Last evaluated: 2024-02-14. Review status: criteria provided, single submitter. Criteria: ACMG Guidelines, 2015. Collection method: clinical testing. Allele origin: germline.

Myriad Genetics, Inc.
Classification: Likely benign for Breast-ovarian cancer, familial, susceptibility to, 3. Last evaluated: 2023-04-06. Review status: criteria provided, single submitter. Criteria: Myriad Autosomal Dominant, Autosomal Recessive and X-Linked Classification Criteria (2023). Collection method: clinical testing. Allele origin: unknown.
Comment: This variant is considered likely benign. This variant is strongly associated with less severe personal and family histories of cancer, typical for individuals without pathogenic variants in this gene [PMID: 25085752].

CHEO Genetics Diagnostic Laboratory, Children's Hospital of Eastern Ontario
Classification: Uncertain significance for Breast and/or ovarian cancer. Last evaluated: 2022-11-14. Review status: criteria provided, single submitter. Criteria: ACMG Guidelines, 2015. Collection method: clinical testing. Allele origin: germline.

Institute of Human Genetics, University of Leipzig Medical Center
Classification: Uncertain significance for Breast-ovarian cancer, familial, susceptibility to, 3. Last evaluated: 2021-07-01. Review status: criteria provided, single submitter. Criteria: ACMG Guidelines, 2015. Collection method: clinical testing. Allele origin: germline. Affected: yes.

Sema4
Classification: Likely benign for Hereditary cancer-predisposing syndrome. Last evaluated: 2021-05-03. Review status: criteria provided, single submitter. Criteria: Sema4 Curation Guidelines. Collection method: curation. Allele origin: germline.

GeneDx
Classification: Likely benign. Last evaluated: 2021-02-28. Review status: criteria provided, single submitter. Criteria: GeneDx Variant Classification Process June 2021. Collection method: clinical testing. Allele origin: germline. Affected: yes.
Comment: This variant is associated with the following publications: (PMID: 26689913, 18203022, 28829762, 21537932, 20400964, 25470109, 22370629, 22476429, 25980754, 21990120, 25801821, 27443514, 23117857, 26261251, 22538716)

Ambry Genetics
Classification: Likely benign for Hereditary cancer-predisposing syndrome. Last evaluated: 2018-11-08. Review status: criteria provided, single submitter. Criteria: Ambry Variant Classification Scheme 2023. Collection method: clinical testing. Allele origin: germline.

Women's Health and Genetics/Laboratory Corporation of America, LabCorp
Classification: Benign. Last evaluated: 2016-03-07. Review status: criteria provided, single submitter. Criteria: LabCorp Variant Classification Summary - May 2015. Collection method: clinical testing. Allele origin: germline.

NM_058216.3(RAD51C):c.506T>C (p.Val169Ala)

Gene: RAD51C (RAD51 paralog C; plus strand). Cytogenetic location: 17q22.
Variant type: single nucleotide variant.
Coding change: c.506T>C on transcript NM_058216.3 (MANE Select); coding-DNA position 506, T replaced by C.
Protein change: p.Val169Ala; replaces valine 169 with alanine.
Molecular consequence: missense variant.
Genome position (GRCh38, 1-based): chr17:58,696,794, T>C. VCF-style: chr17-58696794-T-C. GRCh37 (hg19) VCF-style: chr17-56774155-T-C.
Other names: p.V169A:GTG>GCG; c.506T>C (LRG_314t1); short protein forms V169A.
Identifiers: ClinVar variation 128206 (VCV000128206.55), dbSNP rs587780256, ClinGen allele CA288624.